The following is an entry in ClinVar:

NM_005477.3(HCN4):c.75C>G (p.Ile25Met)

Gene: HCN4 (hyperpolarization activated cyclic nucleotide gated potassium channel 4; minus strand). Cytogenetic location: 15q24.1.
Variant type: single nucleotide variant.
Coding change: c.75C>G on transcript NM_005477.3 (MANE Select); coding-DNA position 75, C replaced by G.
Protein change: p.Ile25Met; replaces isoleucine 25 with methionine.
Molecular consequence: missense variant.
Genome position (GRCh38, 1-based): chr15:73,368,196, G>C on the plus strand (C>G on the coding strand, the complement: HCN4 is on the minus strand). VCF-style: chr15-73368196-G-C. GRCh37 (hg19) VCF-style: chr15-73660537-G-C.
Other names: short protein forms I25M.
Identifiers: ClinVar variation 2565007 (VCV002565007.2), dbSNP rs1022550194, ClinGen allele CA393099117.
Genomic context (GRCh38, chr15:73,368,196, plus strand): 5'-GCGGCTGGGGTCTTGGCGGCCCCCGGCCCCCTCCTCCTCGGCGTCCTCTTCCTCGTCCAT[G>C]ATCCACGCCTTGGCCCCCACCTGCTGCGGGAGGCTGTAGAGCCGCTTGCGCATGGACGGC-3'
Protein context (NP_005468.1, residues 15-35): LPQQVGAKAW[Ile25Met]MDEEEDAEEE

ClinVar aggregate classification (germline): Uncertain significance (1 of 4 stars; one submission).

Conditions:
Cardiovascular phenotype. Identifiers: MedGen CN230736.

Submission:

Ambry Genetics
Classification: Uncertain significance for Cardiovascular phenotype. Last evaluated: 2023-04-05. Review status: criteria provided, single submitter. Criteria: Ambry Variant Classification Scheme 2023. Collection method: clinical testing. Allele origin: germline.
Comment: The p.I25M variant (also known as c.75C>G), located in coding exon 1 of the HCN4 gene, results from a C to G substitution at nucleotide position 75. The isoleucine at codon 25 is replaced by methionine, an amino acid with highly similar properties. This amino acid position is conserved. In addition, the in silico prediction for this alteration is inconclusive. Since supporting evidence is limited at this time, the clinical significance of this alteration remains unclear.